The following is an entry in ClinVar:

ClinVar aggregate classification (germline): Uncertain significance. Review status: criteria provided, multiple submitters, no conflicts (2 of 4 stars). 2 submissions from 2 submitters: Uncertain significance (2). Last evaluated 2023-07-06.

Conditions:
Rienhoff syndrome. Also called: LOEYS-DIETZ SYNDROME 5. Identifiers: MedGen C3810012, MONDO:0014262, OMIM 615582.
Arrhythmogenic right ventricular dysplasia 1. Identifiers: Orphanet 3403, MedGen C1862511, MONDO:0007152, OMIM 107970.

Submissions (2):

Baylor Genetics
Classification: Uncertain significance for Arrhythmogenic right ventricular dysplasia 1. Last evaluated: 2023-07-06. Review status: criteria provided, single submitter. Criteria: ACMG Guidelines, 2015. Collection method: clinical testing. Allele origin: unknown.

Labcorp Genetics (formerly Invitae), Labcorp
Classification: Uncertain significance for Rienhoff syndrome. Last evaluated: 2023-05-22. Review status: criteria provided, single submitter. Criteria: Invitae Variant Classification Sherloc (09022015). Collection method: clinical testing. Allele origin: germline.
Comment: Advanced modeling of protein sequence and biophysical properties (such as structural, functional, and spatial information, amino acid conservation, physicochemical variation, residue mobility, and thermodynamic stability) performed at Invitae indicates that this missense variant is not expected to disrupt TGFB3 protein function. This sequence change replaces valine, which is neutral and non-polar, with isoleucine, which is neutral and non-polar, at codon 333 of the TGFB3 protein (p.Val333Ile). This variant is not present in population databases (gnomAD no frequency). This variant has not been reported in the literature in individuals affected with TGFB3-related conditions. In summary, the available evidence is currently insufficient to determine the role of this variant in disease. Therefore, it has been classified as a Variant of Uncertain Significance.

NM_003239.5(TGFB3):c.997G>A (p.Val333Ile)

Gene: TGFB3 (transforming growth factor beta 3; minus strand). Cytogenetic location: 14q24.3.
Variant type: single nucleotide variant.
Coding change: c.997G>A on transcript NM_003239.5 (MANE Select); coding-DNA position 997, G replaced by A.
Protein change: p.Val333Ile; replaces valine 333 with isoleucine.
Molecular consequence: missense variant.
Genome position (GRCh38, 1-based): chr14:75,961,006, C>T on the plus strand (G>A on the coding strand, the complement: TGFB3 is on the minus strand). VCF-style: chr14-75961006-C-T. GRCh37 (hg19) VCF-style: chr14-76427349-C-T.
Other names: c.997G>A, p.Val333Ile (NM_001329939.2); short protein forms V333I.
Identifiers: ClinVar variation 2582633 (VCV002582633.4), dbSNP rs2504096199, ClinGen allele CA390467949.